The following is an entry in ClinVar:

ClinVar aggregate classification (germline): Uncertain significance (1 of 4 stars; one submission).

Conditions:
Primary ciliary dyskinesia. Also called: Ciliary dyskinesia. Identifiers: Orphanet 244, MedGen C0008780, MONDO:0016575, HP:0012265.

Allele frequency attached by ClinVar (database versions not stated): gnomAD 0.00001.
gnomAD v4.1: 1 of 1,204,256 alleles (0.000083%); highest among the groups gnomAD compares: Non-Finnish European, 0.00011%; no homozygotes.

Submission:

Labcorp Genetics (formerly Invitae), Labcorp
Classification: Uncertain significance for Primary ciliary dyskinesia. Last evaluated: 2022-11-18. Review status: criteria provided, single submitter. Criteria: Invitae Variant Classification Sherloc (09022015). Collection method: clinical testing. Allele origin: germline.
Comment: ClinVar contains an entry for this variant (Variation ID: 1393686). This variant has not been reported in the literature in individuals affected with RPGR (ORF15)-related conditions. This variant is not present in population databases (gnomAD no frequency). This sequence change replaces glutamic acid, which is acidic and polar, with lysine, which is basic and polar, at codon 1051 of the RPGR (ORF15) protein (p.Glu1051Lys). In summary, the available evidence is currently insufficient to determine the role of this variant in disease. Therefore, it has been classified as a Variant of Uncertain Significance. Advanced modeling of protein sequence and biophysical properties (such as structural, functional, and spatial information, amino acid conservation, physicochemical variation, residue mobility, and thermodynamic stability) performed at Invitae indicates that this missense variant is not expected to disrupt RPGR (ORF15) protein function.

NM_001034853.2(RPGR):c.3151G>A (p.Glu1051Lys)

Gene: RPGR (retinitis pigmentosa GTPase regulator; minus strand). Cytogenetic location: Xp11.4.
Variant type: single nucleotide variant.
Coding change: c.3151G>A on transcript NM_001034853.2 (MANE Select); coding-DNA position 3151, G replaced by A.
Protein change: p.Glu1051Lys; replaces glutamic acid 1051 with lysine.
Molecular consequence: missense variant. On other transcripts: intron variant (8).
Genome position (GRCh38, 1-based): chrX:38,285,848, C>T on the plus strand (G>A on the coding strand, the complement: RPGR is on the minus strand). VCF-style: chrX-38285848-C-T. GRCh37 (hg19) VCF-style: chrX-38145101-C-T.
Other names: c.1569+5111G>A (NM_001367249.1, NM_001367250.1); c.1902+1246G>A (NM_001367245.1); c.1386+5111G>A (NM_001367251.1); c.1719+1246G>A (NM_001367246.1); c.1572+5111G>A (NM_001367247.1); c.1905+1246G>A (NM_000328.3); c.1602+5111G>A (NM_001367248.1); short protein forms E1051K.
Identifiers: ClinVar variation 1393686 (VCV001393686.6), dbSNP rs1235791633, ClinGen allele CA412728894.